The following is an entry in ClinVar:

ClinVar aggregate classification (germline): Uncertain significance (1 of 4 stars; one submission).

Submission:

Labcorp Genetics (formerly Invitae), Labcorp
Classification: Uncertain significance. Last evaluated: 2021-02-19. Review status: criteria provided, single submitter. Criteria: Invitae Variant Classification Sherloc (09022015). Collection method: clinical testing. Allele origin: germline.
Comment: In summary, the available evidence is currently insufficient to determine the role of this variant in disease. Therefore, it has been classified as a Variant of Uncertain Significance. This variant has not been reported in the literature in individuals with PRPF6-related conditions. This variant is a gross deletion of the genomic region encompassing exon(s) 4-6 of the PRPF6 gene. This deletion is out-of-frame, and is expected to create a premature translational stop signal and result in an absent or disrupted protein product. However, the current clinical and genetic evidence is not sufficient to establish whether loss-of-function variants in PRPF6 cause disease.

NC_000020.10:g.(?_62624740)_(62626855_?)del

Gene: PRPF6 (pre-mRNA processing factor 6; plus strand). Cytogenetic location: 20q13.33.
Variant type: Deletion.
Identifiers: ClinVar variation 1401061 (VCV001401061.6).